The following is an entry in ClinVar:

ClinVar aggregate classification (germline): Likely benign. Review status: criteria provided, multiple submitters, no conflicts (2 of 4 stars). 2 submissions from 2 submitters: Likely benign (2). Last evaluated 2026-03-01.

Conditions:
Inborn genetic diseases. Identifiers: MedGen C0950123, MeSH D030342.

gnomAD v4.1: 93 of 1,614,192 alleles (0.0058%); highest among the groups gnomAD compares: Non-Finnish European, 0.0074%; no homozygotes.

Submissions (2):

CeGaT Center for Human Genetics Tuebingen
Classification: Likely benign. Last evaluated: 2026-03-01. Review status: criteria provided, single submitter. Criteria: CeGaT Center For Human Genetics Tuebingen Variant Classification Criteria Version 2. Collection method: clinical testing. Allele origin: germline. Affected: yes. Observed: 1 variant allele.
Comment: MAP1B: BP4

Ambry Genetics
Classification: Likely benign for Inborn genetic diseases. Last evaluated: 2025-01-31. Review status: criteria provided, single submitter. Criteria: Ambry Variant Classification Scheme 2023. Collection method: clinical testing. Allele origin: germline.

NM_005909.5(MAP1B):c.5484G>T (p.Glu1828Asp)

Gene: MAP1B (microtubule associated protein 1B; plus strand). Cytogenetic location: 5q13.2.
Variant type: single nucleotide variant.
Coding change: c.5484G>T on transcript NM_005909.5 (MANE Select); coding-DNA position 5484, G replaced by T.
Protein change: p.Glu1828Asp; replaces glutamic acid 1828 with aspartic acid.
Molecular consequence: missense variant.
Genome position (GRCh38, 1-based): chr5:72,198,839, G>T. VCF-style: chr5-72198839-G-T. GRCh37 (hg19) VCF-style: chr5-71494666-G-T.
Other names: c.5106G>T, p.Glu1702Asp (NM_001324255.2); short protein forms E1828D, E1702D.
Identifiers: ClinVar variation 3870007 (VCV003870007.5).